The following is an entry in ClinVar:

NM_001370259.2(MEN1):c.1050-216C>T

Gene: MEN1 (menin 1; minus strand). Cytogenetic location: 11q13.1.
Variant type: single nucleotide variant.
Coding change: c.1050-216C>T on transcript NM_001370259.2 (MANE Select); 216 bases into the intron before coding-DNA position 1050, C replaced by T.
Molecular consequence: intron variant. On other transcripts: synonymous variant (6).
Genome position (GRCh38, 1-based): chr11:64,805,986, G>A on the plus strand (C>T on the coding strand, the complement: MEN1 is on the minus strand). VCF-style: chr11-64805986-G-A. GRCh37 (hg19) VCF-style: chr11-64573458-G-A.
Other names: c.1077C>T, p.Thr359= (NM_001370251.2, NM_001407142.1, NM_001407143.1 and 1 more transcripts); c.1092C>T, p.Thr364= (NM_001407150.1); c.972C>T, p.Thr324= (NM_001407151.1); c.1065-216C>T (NM_130804.3, NM_130803.3, NM_000244.4 and 4 more transcripts); c.945-216C>T (NM_001407148.1, NM_001407149.1, NM_001370263.2 and 1 more transcripts); c.1050-216C>T (NM_130799.3, NM_001370260.2, NM_001407152.1 and 3 more transcripts).
Identifiers: ClinVar variation 2641933 (VCV002641933.24), dbSNP rs998892417, ClinGen allele CA223914227.

ClinVar aggregate classification (germline): Likely benign (1 of 4 stars; one submission).

Allele frequency attached by ClinVar (database versions not stated): gnomAD 0.00005; TOPMed 0.00005; gnomAD exomes 0.00006.
gnomAD v4.1: 36 of 650,840 alleles (0.0055%); highest among the groups gnomAD compares: Non-Finnish European, 0.0091%; no homozygotes.

Submission:

CeGaT Center for Human Genetics Tuebingen
Classification: Likely benign. Last evaluated: 2026-08-01. Review status: criteria provided, single submitter. Criteria: CeGaT Center For Human Genetics Tuebingen Variant Classification Criteria Version 2. Collection method: clinical testing. Allele origin: germline. Affected: yes. Observed: 2 variant alleles.
Comment: MEN1: BP4, BP7